The following is an entry in ClinVar:

ClinVar aggregate classification (germline): Uncertain significance (1 of 4 stars; one submission).

Conditions:
Pheochromocytoma. Also called: MAX-Related Hereditary Paraganglioma-Pheochromocytoma Syndrome. Identifiers: Orphanet 29072, MedGen C0031511, MONDO:0008233, OMIM 171300, HP:0002666.
Carney-Stratakis syndrome. Also called: PARAGANGLIOMA AND GASTROINTESTINAL STROMAL TUMOR. Identifiers: Orphanet 97286, MedGen C1847319, MONDO:0011740, OMIM 606864.
Paragangliomas with sensorineural hearing loss. Identifiers: MedGen C1868633.
Cowden syndrome 3 (CWS3). Identifiers: Orphanet 201, MedGen CN166604, MONDO:0014045.

Submission:

Labcorp Genetics (formerly Invitae), Labcorp
Classification: Uncertain significance for Carney-Stratakis syndrome; Paragangliomas with sensorineural hearing loss; Pheochromocytoma; Cowden syndrome 3. Last evaluated: 2024-03-12. Review status: criteria provided, single submitter. Criteria: Invitae Variant Classification Sherloc (09022015). Collection method: clinical testing. Allele origin: germline.
Comment: This sequence change replaces lysine, which is basic and polar, with asparagine, which is neutral and polar, at codon 151 of the SDHD protein (p.Lys151Asn). This variant is not present in population databases (gnomAD no frequency). This variant has not been reported in the literature in individuals affected with SDHD-related conditions. Advanced modeling of protein sequence and biophysical properties (such as structural, functional, and spatial information, amino acid conservation, physicochemical variation, residue mobility, and thermodynamic stability) has been performed at Invitae for this missense variant, however the output from this modeling did not meet the statistical confidence thresholds required to predict the impact of this variant on SDHD protein function. In summary, the available evidence is currently insufficient to determine the role of this variant in disease. Therefore, it has been classified as a Variant of Uncertain Significance.

NM_003002.4(SDHD):c.453A>T (p.Lys151Asn)

Gene: SDHD (succinate dehydrogenase complex subunit D; plus strand). Cytogenetic location: 11q23.1.
Variant type: single nucleotide variant.
Coding change: c.453A>T on transcript NM_003002.4 (MANE Select); coding-DNA position 453, A replaced by T.
Protein change: p.Lys151Asn; replaces lysine 151 with asparagine.
Molecular consequence: missense variant. On other transcripts: 3 prime UTR variant (2), non-coding transcript variant (1).
Genome position (GRCh38, 1-based): chr11:112,094,943, A>T. VCF-style: chr11-112094943-A-T. GRCh37 (hg19) VCF-style: chr11-111965667-A-T.
Other names: c.*50A>T (NM_001276503.2); c.336A>T, p.Lys112Asn (NM_001276504.2); c.*151A>T (NM_001276506.2); short protein forms K112N, K151N.
Identifiers: ClinVar variation 3755242 (VCV003755242.2).